The following is an entry in ClinVar:

ClinVar aggregate classification (germline): Uncertain significance. Review status: criteria provided, multiple submitters, no conflicts (2 of 4 stars). 2 submissions from 2 submitters: Uncertain significance (2). Last evaluated 2026-08-11.

Conditions:
Hereditary cancer-predisposing syndrome. Also called: Neoplastic Syndromes, Hereditary; Hereditary Cancer Syndrome; Hereditary neoplastic syndrome; Tumor predisposition. Identifiers: Orphanet 140162, MedGen C0027672, MeSH D009386, MONDO:0015356.

Allele frequency attached by ClinVar (database versions not stated): TOPMed below 0.00001; gnomAD 0.00001.
gnomAD v4.1: 2 of 1,613,348 alleles (0.00012%); highest among the groups gnomAD compares: Non-Finnish European, 0.00017%; no homozygotes.

Submissions (2):

Ambry Genetics
Classification: Uncertain significance for Hereditary cancer-predisposing syndrome. Last evaluated: 2026-08-11. Review status: criteria provided, single submitter. Criteria: Ambry Variant Classification Scheme 2023. Collection method: clinical testing. Allele origin: germline.
Comment: The p.C1612S variant (also known as c.4835G>C), located in coding exon 37 of the POLE gene, results from a G to C substitution at nucleotide position 4835. The cysteine at codon 1612 is replaced by serine, an amino acid with dissimilar properties. This amino acid position is conserved. In addition, this alteration is predicted to be tolerated by in silico analysis. Based on the available evidence, the clinical significance of this variant remains unclear.

Labcorp Genetics (formerly Invitae), Labcorp
Classification: Uncertain significance. Last evaluated: 2023-05-16. Review status: criteria provided, single submitter. Criteria: Invitae Variant Classification Sherloc (09022015). Collection method: clinical testing. Allele origin: germline.
Comment: In summary, the available evidence is currently insufficient to determine the role of this variant in disease. Therefore, it has been classified as a Variant of Uncertain Significance. Advanced modeling of protein sequence and biophysical properties (such as structural, functional, and spatial information, amino acid conservation, physicochemical variation, residue mobility, and thermodynamic stability) performed at Invitae indicates that this missense variant is not expected to disrupt POLE protein function. ClinVar contains an entry for this variant (Variation ID: 574153). This variant has not been reported in the literature in individuals affected with POLE-related conditions. This variant is not present in population databases (gnomAD no frequency). This sequence change replaces cysteine, which is neutral and slightly polar, with serine, which is neutral and polar, at codon 1612 of the POLE protein (p.Cys1612Ser).

NM_006231.4(POLE):c.4835G>C (p.Cys1612Ser)

Gene: POLE (DNA polymerase epsilon, catalytic subunit; minus strand). Cytogenetic location: 12q24.33.
Variant type: single nucleotide variant.
Coding change: c.4835G>C on transcript NM_006231.4 (MANE Select); coding-DNA position 4835, G replaced by C.
Protein change: p.Cys1612Ser; replaces cysteine 1612 with serine.
Molecular consequence: missense variant.
Genome position (GRCh38, 1-based): chr12:132,642,623, C>G on the plus strand (G>C on the coding strand, the complement: POLE is on the minus strand). VCF-style: chr12-132642623-C-G. GRCh37 (hg19) VCF-style: chr12-133219209-C-G.
Other names: c.4835G>C (NM_006231.2); short protein forms C1612S.
Identifiers: ClinVar variation 574153 (VCV000574153.12), dbSNP rs1411134935, ClinGen allele CA387378237.